The following is an entry in ClinVar:

ClinVar aggregate classification (germline): Uncertain significance. Review status: criteria provided, multiple submitters, no conflicts (2 of 4 stars). 5 submissions from 5 submitters: Uncertain significance (4). 1 of the submissions does not count toward it. Last evaluated 2025-09-30.

Conditions:
Hereditary cancer-predisposing syndrome. Also called: Neoplastic Syndromes, Hereditary; Tumor predisposition; Hereditary Cancer Syndrome; Hereditary neoplastic syndrome. Identifiers: Orphanet 140162, MedGen C0027672, MeSH D009386, MONDO:0015356.
Bloom syndrome (BLM). Also called: Bloom-Torre-Machacek syndrome. Identifiers: Orphanet 125, MedGen C0005859, MONDO:0008876, OMIM 210900.

Allele frequency attached by ClinVar (database versions not stated): gnomAD 0.00001; gnomAD exomes 0.00001; TOPMed 0.00002.
gnomAD v4.1: 18 of 1,613,960 alleles (0.0011%); highest among the groups gnomAD compares: Non-Finnish European, 0.0015%; no homozygotes.

Submissions (5):

Women's Health and Genetics/Laboratory Corporation of America, LabCorp
Classification: Uncertain significance. Last evaluated: 2025-09-30. Review status: criteria provided, single submitter. Criteria: LabCorp Variant Classification Summary - May 2015. Collection method: clinical testing. Allele origin: germline.

Labcorp Genetics (formerly Invitae), Labcorp
Classification: Uncertain significance for Bloom syndrome. Last evaluated: 2025-01-21. Review status: criteria provided, single submitter. Criteria: Invitae Variant Classification Sherloc (09022015). Collection method: clinical testing. Allele origin: germline.
Comment: This sequence change replaces threonine, which is neutral and polar, with isoleucine, which is neutral and non-polar, at codon 1243 of the BLM protein (p.Thr1243Ile). This variant is not present in population databases (gnomAD no frequency). This variant has not been reported in the literature in individuals affected with BLM-related conditions. ClinVar contains an entry for this variant (Variation ID: 485347). Invitae Evidence Modeling of protein sequence and biophysical properties (such as structural, functional, and spatial information, amino acid conservation, physicochemical variation, residue mobility, and thermodynamic stability) indicates that this missense variant is not expected to disrupt BLM protein function with a negative predictive value of 80%. In summary, the available evidence is currently insufficient to determine the role of this variant in disease. Therefore, it has been classified as a Variant of Uncertain Significance.

Ambry Genetics
Classification: Uncertain significance for Hereditary cancer-predisposing syndrome. Last evaluated: 2025-01-07. Review status: criteria provided, single submitter. Criteria: Ambry Variant Classification Scheme 2023. Collection method: clinical testing. Allele origin: germline.

GeneDx
Classification: Uncertain significance. Last evaluated: 2023-06-09. Review status: criteria provided, single submitter. Criteria: GeneDx Variant Classification Process June 2021. Collection method: clinical testing. Allele origin: germline. Affected: yes.
Comment: Not observed at significant frequency in large population cohorts (gnomAD); In silico analysis supports that this missense variant does not alter protein structure/function; Has not been previously published as pathogenic or benign to our knowledge

Natera, Inc.
Classification: Uncertain significance for Bloom syndrome. Last evaluated: 2020-09-16. Review status: no assertion criteria provided. Collection method: clinical testing. Allele origin: germline. Not counted in ClinVar's aggregate classification.

NM_000057.4(BLM):c.3728C>T (p.Thr1243Ile)

Gene: BLM (BLM RecQ like helicase; plus strand). Cytogenetic location: 15q26.1.
Variant type: single nucleotide variant.
Coding change: c.3728C>T on transcript NM_000057.4 (MANE Select); coding-DNA position 3728, C replaced by T.
Protein change: p.Thr1243Ile; replaces threonine 1243 with isoleucine.
Molecular consequence: missense variant. On other transcripts: intron variant (1).
Genome position (GRCh38, 1-based): chr15:90,804,336, C>T. VCF-style: chr15-90804336-C-T. GRCh37 (hg19) VCF-style: chr15-91347566-C-T.
Other names: c.3728C>T (LRG_20t1); c.3728C>T, p.Thr1243Ile (NM_001287246.2); c.2603C>T, p.Thr868Ile (NM_001287248.2); c.3359-4801C>T (NM_001287247.2); short protein forms T1243I, T868I.
Identifiers: ClinVar variation 485347 (VCV000485347.15), dbSNP rs972145772, ClinGen allele CA274775291.